The following is an entry in ClinVar:

ClinVar aggregate classification (germline): Likely pathogenic (1 of 4 stars; one submission).

Conditions:
Perrault syndrome 3 (PRLTS3). Identifiers: Orphanet 2855, MedGen C3808414, MONDO:0013588, OMIM 614129.

gnomAD v4.1: 1 of 1,598,380 alleles (0.000063%); highest among the groups gnomAD compares: Non-Finnish European, 0.000085%; no homozygotes.

Submission:

Laboratory of Prof. Karen Avraham, Tel Aviv University
Classification: Likely pathogenic for Perrault syndrome 3. Last evaluated: 2018-05-07. Review status: criteria provided, single submitter. Criteria: ACMG Guidelines, 2015. Collection method: research. Allele origin: germline. Affected: yes.
Comment: Recessive, compound heterozygous with NM_00601.2:[c.173T>G]; congenital, profound HL; auditory neropathy

NM_006012.4(CLPP):c.233G>C (p.Arg78Pro)

Genes: CLPP (caseinolytic mitochondrial matrix peptidase proteolytic subunit; plus strand), LOC130063288 (ATAC-STARR-seq lymphoblastoid silent region 9948; plus strand). Cytogenetic location: 19p13.3.
Variant type: single nucleotide variant.
Coding change: c.233G>C on transcript NM_006012.4 (MANE Select); coding-DNA position 233, G replaced by C.
Protein change: p.Arg78Pro; replaces arginine 78 with proline.
Molecular consequence: missense variant.
Genome position (GRCh38, 1-based): chr19:6,361,903, G>C. VCF-style: chr19-6361903-G-C. GRCh37 (hg19) VCF-style: chr19-6361914-G-C.
Other names: short protein forms R78P.
Identifiers: ClinVar variation 813818 (VCV000813818.1), dbSNP rs1599193093, ClinGen allele CA403587149.